The following is an entry in ClinVar:

ClinVar aggregate classification (germline): Uncertain significance (1 of 4 stars; one submission).

Allele frequency attached by ClinVar (database versions not stated): TOPMed 0.00002; ExAC 0.00003; gnomAD 0.00003; ESP Exome Variant Server 0.00008.
gnomAD v4.1: 40 of 1,612,988 alleles (0.0025%); highest among the groups gnomAD compares: Non-Finnish European, 0.0032%; no homozygotes.

Submission:

Labcorp Genetics (formerly Invitae), Labcorp
Classification: Uncertain significance. Last evaluated: 2022-05-04. Review status: criteria provided, single submitter. Criteria: Invitae Variant Classification Sherloc (09022015). Collection method: clinical testing. Allele origin: germline.
Comment: In summary, the available evidence is currently insufficient to determine the role of this variant in disease. Therefore, it has been classified as a Variant of Uncertain Significance. Algorithms developed to predict the effect of missense changes on protein structure and function are either unavailable or do not agree on the potential impact of this missense change (SIFT: "Tolerated"; PolyPhen-2: "Possibly Damaging"; Align-GVGD: "Class C0"). This variant has not been reported in the literature in individuals affected with MOCS3-related conditions. This variant is present in population databases (rs138898128, gnomAD 0.004%). This sequence change replaces alanine, which is neutral and non-polar, with valine, which is neutral and non-polar, at codon 98 of the MOCS3 protein (p.Ala98Val).

NM_014484.5(MOCS3):c.293C>T (p.Ala98Val)

Gene: MOCS3 (molybdenum cofactor synthesis 3; plus strand). Cytogenetic location: 20q13.13.
Variant type: single nucleotide variant.
Coding change: c.293C>T on transcript NM_014484.5 (MANE Select); coding-DNA position 293, C replaced by T.
Protein change: p.Ala98Val; replaces alanine 98 with valine.
Molecular consequence: missense variant.
Genome position (GRCh38, 1-based): chr20:50,959,135, C>T. VCF-style: chr20-50959135-C-T. GRCh37 (hg19) VCF-style: chr20-49575672-C-T.
Other names: short protein forms A98V.
Identifiers: ClinVar variation 2188871 (VCV002188871.4), dbSNP rs138898128, ClinGen allele CA9909379.